The following is an entry in ClinVar:

ClinVar aggregate classification (germline): Uncertain significance (1 of 4 stars; one submission).

Conditions:
Aicardi-Goutieres syndrome 5. Identifiers: Orphanet 51, MedGen C2749659, MONDO:0013059, OMIM 612952.

Submission:

Labcorp Genetics (formerly Invitae), Labcorp
Classification: Uncertain significance for Aicardi-Goutieres syndrome 5. Last evaluated: 2022-12-25. Review status: criteria provided, single submitter. Criteria: Invitae Variant Classification Sherloc (09022015). Collection method: clinical testing. Allele origin: germline.
Comment: In summary, the available evidence is currently insufficient to determine the role of this variant in disease. Therefore, it has been classified as a Variant of Uncertain Significance. Advanced modeling of protein sequence and biophysical properties (such as structural, functional, and spatial information, amino acid conservation, physicochemical variation, residue mobility, and thermodynamic stability) performed at Invitae indicates that this missense variant is not expected to disrupt SAMHD1 protein function. This variant has not been reported in the literature in individuals affected with SAMHD1-related conditions. This variant is not present in population databases (gnomAD no frequency). This sequence change replaces glutamic acid, which is acidic and polar, with aspartic acid, which is acidic and polar, at codon 443 of the SAMHD1 protein (p.Glu443Asp).

NM_015474.4(SAMHD1):c.1329G>T (p.Glu443Asp)

Gene: SAMHD1 (SAM and HD domain containing deoxynucleoside triphosphate triphosphohydrolase 1; minus strand). Cytogenetic location: 20q11.23.
Variant type: single nucleotide variant.
Coding change: c.1329G>T on transcript NM_015474.4 (MANE Select); coding-DNA position 1329, G replaced by T.
Protein change: p.Glu443Asp; replaces glutamic acid 443 with aspartic acid.
Molecular consequence: missense variant.
Genome position (GRCh38, 1-based): chr20:36,905,445, C>A on the plus strand (G>T on the coding strand, the complement: SAMHD1 is on the minus strand). VCF-style: chr20-36905445-C-A. GRCh37 (hg19) VCF-style: chr20-35533848-C-A.
Other names: c.1329G>T, p.Glu443Asp (NM_001363729.2, NM_001363733.2); short protein forms E443D.
Identifiers: ClinVar variation 2824150 (VCV002824150.1), dbSNP rs772419521, ClinGen allele CA408842355.